The following is an entry in ClinVar:

ClinVar aggregate classification (germline): Uncertain significance (1 of 4 stars; one submission).

Conditions:
Baller-Gerold syndrome (BGS). Also called: CRANIOSYNOSTOSIS WITH RADIAL DEFECTS. Identifiers: Orphanet 1225, MedGen C0265308, MONDO:0009039, OMIM 218600.

Submission:

Labcorp Genetics (formerly Invitae), Labcorp
Classification: Uncertain significance for Baller-Gerold syndrome. Last evaluated: 2025-01-30. Review status: criteria provided, single submitter. Criteria: Invitae Variant Classification Sherloc (09022015). Collection method: clinical testing. Allele origin: germline.
Comment: This variant, c.2789_2812del, results in the deletion of 8 amino acid(s) of the RECQL4 protein (p.His930_Leu937del), but otherwise preserves the integrity of the reading frame. This variant is not present in population databases (gnomAD no frequency). This variant has been observed in individual(s) with clinical features of Rothmund-Thomson syndrome (PMID: 27247962). ClinVar contains an entry for this variant (Variation ID: 846842). Experimental studies and prediction algorithms are not available or were not evaluated, and the functional significance of this variant is currently unknown. In summary, the available evidence is currently insufficient to determine the role of this variant in disease. Therefore, it has been classified as a Variant of Uncertain Significance.

Literature cited by the submitters: PubMed 27247962.

NM_004260.4(RECQL4):c.2789_2812del (p.His930_Leu937del)

Gene: RECQL4 (RecQ like helicase 4; minus strand). Cytogenetic location: 8q24.3.
Variant type: Deletion.
Coding change: c.2789_2812del on transcript NM_004260.4 (MANE Select); coding-DNA positions 2789 to 2812, 24 bases deleted (ACCCACACCACTGGCTGGAGCTGC).
Protein change: p.His930_Leu937del.
Molecular consequence: inframe deletion.
Genome position (GRCh38, 1-based): chr8:144,512,715-144,512,738, GCAGCTCCAGCCAGTGGTGTGGGT deleted on the plus strand (ACCCACACCACTGGCTGGAGCTGC on the coding strand, the reverse complement: RECQL4 is on the minus strand); deleting any 24 consecutive bases within chr8:144,512,715-144,512,748 gives the same sequence; the c. name uses the placement nearest the transcript's 3' end. VCF-style (leftmost placement, unchanged base first): chr8-144512714-AGCAGCTCCAGCCAGTGGTGTGGGT-A. GRCh37 (hg19) VCF-style: chr8-145738097-AGCAGCTCCAGCCAGTGGTGTGGGT-A.
Identifiers: ClinVar variation 846842 (VCV000846842.6), dbSNP rs1827481798, ClinGen allele CA916083029.